The following is an entry in ClinVar:

NM_003970.4(MYOM2):c.3320G>C (p.Gly1107Ala)

Gene: MYOM2 (myomesin 2; plus strand). Cytogenetic location: 8p23.3.
Variant type: single nucleotide variant.
Coding change: c.3320G>C on transcript NM_003970.4 (MANE Select); coding-DNA position 3320, G replaced by C.
Protein change: p.Gly1107Ala; replaces glycine 1107 with alanine.
Molecular consequence: missense variant.
Genome position (GRCh38, 1-based): chr8:2,116,099, G>C. VCF-style: chr8-2116099-G-C. GRCh37 (hg19) VCF-style: chr8-2063891-G-C.
Other names: c.3320G>C (NM_003970.3); short protein forms G1107A.
Identifiers: ClinVar variation 2658313 (VCV002658313.25), dbSNP rs143305181, ClinGen allele CA170461245.

ClinVar aggregate classification (germline): Likely benign. Review status: criteria provided, single submitter (1 of 4 stars). 2 submissions from 2 submitters: Likely benign (1). 1 of the submissions does not count toward it. Last evaluated 2026-08-01.

Conditions:
MYOM2-related disorder. Also called: MYOM2-related condition.

Allele frequency attached by ClinVar (database versions not stated): 1000 Genomes Project 30x 0.00172; 1000 Genomes Project 0.00200; TOPMed 0.00355; ESP Exome Variant Server 0.00500; ExAC 0.00554; gnomAD 0.00568; gnomAD exomes 0.00644.
gnomAD v4.1: 10,156 of 1,602,146 alleles (0.63%); highest among the groups gnomAD compares: Non-Finnish European, 0.7%; 55 homozygotes.

Submissions (2):

CeGaT Center for Human Genetics Tuebingen
Classification: Likely benign. Last evaluated: 2026-08-01. Review status: criteria provided, single submitter. Criteria: CeGaT Center For Human Genetics Tuebingen Variant Classification Criteria Version 2. Collection method: clinical testing. Allele origin: germline. Affected: yes. Observed: 9 variant alleles.
Comment: MYOM2: BS2

PreventionGenetics, part of Exact Sciences
Classification: Benign for MYOM2-related condition. Last evaluated: 2019-04-30. Review status: no assertion criteria provided. Collection method: clinical testing. Allele origin: germline. Not counted in ClinVar's aggregate classification.
Comment: This variant is classified as benign based on ACMG/AMP sequence variant interpretation guidelines (Richards et al. 2015 PMID: 25741868, with internal and published modifications).